The following is an entry in ClinVar:

NM_002661.5(PLCG2):c.3420T>A (p.Asp1140Glu)

Gene: PLCG2 (phospholipase C gamma 2; plus strand). Cytogenetic location: 16q23.3.
Variant type: single nucleotide variant.
Coding change: c.3420T>A on transcript NM_002661.5 (MANE Select); coding-DNA position 3420, T replaced by A.
Protein change: p.Asp1140Glu; replaces aspartic acid 1140 with glutamic acid.
Molecular consequence: missense variant.
Genome position (GRCh38, 1-based): chr16:81,939,998, T>A. VCF-style: chr16-81939998-T-A. GRCh37 (hg19) VCF-style: chr16-81973603-T-A.
Other names: short protein forms D1140E.
Identifiers: ClinVar variation 1719981 (VCV001719981.5), dbSNP rs746749620, ClinGen allele CA396908776.

ClinVar aggregate classification (germline): Likely pathogenic (1 of 4 stars; one submission).

Conditions:
Familial cold autoinflammatory syndrome 3 (FCAS3). Also called: FAMILIAL ATYPICAL COLD URTICARIA; ANTIBODY DEFICIENCY AND IMMUNE DYSREGULATION, PLCG2-ASSOCIATED. Identifiers: Orphanet 300359, MedGen C3280914, MONDO:0013766, OMIM 614468.

Submission:

Labcorp Genetics (formerly Invitae), Labcorp
Classification: Likely pathogenic for Familial cold autoinflammatory syndrome 3. Last evaluated: 2023-03-21. Review status: criteria provided, single submitter. Criteria: Invitae Variant Classification Sherloc (09022015). Collection method: clinical testing. Allele origin: germline.
Comment: This sequence change replaces aspartic acid, which is acidic and polar, with glutamic acid, which is acidic and polar, at codon 1140 of the PLCG2 protein (p.Asp1140Glu). This variant is not present in population databases (gnomAD no frequency). This missense change has been observed in individual(s) with clinical features of PLCG2-related conditions (Invitae). In at least one individual the variant was observed to be de novo. ClinVar contains an entry for this variant (Variation ID: 1719981). An algorithm developed to predict the effect of missense changes on protein structure and function (PolyPhen-2) suggests that this variant is likely to be disruptive. In summary, the currently available evidence indicates that the variant is pathogenic, but additional data are needed to prove that conclusively. Therefore, this variant has been classified as Likely Pathogenic.